The following is an entry in ClinVar:

ClinVar aggregate classification (germline): Likely pathogenic (1 of 4 stars; one submission).

Submission:

GeneDx
Classification: Likely pathogenic. Last evaluated: 2015-08-04. Review status: criteria provided, single submitter. Criteria: GeneDx Variant Classification (06012015). Collection method: clinical testing. Allele origin: germline. Affected: yes.
Comment: The c.956+5 G>A variant has not been published as a pathogenic variant, nor has it been reported as a benign polymorphism to our knowledge. Several in-silico splice prediction models predict that c.956+5 G>A damages the splice donor site of intron 9 which may lead to abnormal gene splicing. However, in the absence of RNA/functional studies, the actual effect of this sequence change in this individual is unknown. Therefore, this variant is a strong candidate for a pathogenic variant, however the possibility that it is a benign variant cannot be excluded.

NM_000159.4(GCDH):c.956+5G>A

Gene: GCDH (glutaryl-CoA dehydrogenase; plus strand). Cytogenetic location: 19p13.13.
Variant type: single nucleotide variant.
Coding change: c.956+5G>A on transcript NM_000159.4 (MANE Select); 5 bases into the intron after coding-DNA position 956, G replaced by A.
Molecular consequence: intron variant.
Genome position (GRCh38, 1-based): chr19:12,897,018, G>A. VCF-style: chr19-12897018-G-A. GRCh37 (hg19) VCF-style: chr19-13007832-G-A.
Other names: c.956+5G>A (NM_013976.5).
Identifiers: ClinVar variation 429325 (VCV000429325.2), dbSNP rs1131691319, ClinGen allele CA645369741.